The following is an entry in ClinVar:

NM_005228.5(EGFR):c.2185-4A>G

Gene: EGFR (epidermal growth factor receptor; plus strand). Cytogenetic location: 7p11.2.
Variant type: single nucleotide variant.
Coding change: c.2185-4A>G on transcript NM_005228.5 (MANE Select); 4 bases into the intron before coding-DNA position 2185, A replaced by G.
Molecular consequence: intron variant.
Genome position (GRCh38, 1-based): chr7:55,174,718, A>G. VCF-style: chr7-55174718-A-G. GRCh37 (hg19) VCF-style: chr7-55242411-A-G.
Other names: c.2050-4A>G (NM_001346899.2, NM_001346897.2); c.1384-4A>G (NM_001346941.2); c.2185-4A>G (NM_001346898.2); c.2026-4A>G (NM_001346900.2).
Identifiers: ClinVar variation 1661268 (VCV001661268.9), dbSNP rs919622072, ClinGen allele CA158932430.

ClinVar aggregate classification (germline): Likely benign. Review status: criteria provided, multiple submitters, no conflicts (2 of 4 stars). 2 submissions from 2 submitters: Likely benign (2). Last evaluated 2024-10-16.

Conditions:
Lung cancer. Also called: Malignant tumor of lung; Lung cancer, somatic. Identifiers: MedGen C0242379, MONDO:0008903, OMIM 211980.
EGFR-related lung cancer (EGFR). Identifiers: MedGen CN130014.

gnomAD v4.1: 1 of 1,612,092 alleles (0.000062%); highest among the groups gnomAD compares: Non-Finnish European, 0.000085%; no homozygotes.

Submissions (2):

Myriad Genetics, Inc.
Classification: Likely benign for Lung cancer. Last evaluated: 2024-10-16. Review status: criteria provided, single submitter. Criteria: Myriad Autosomal Dominant, Autosomal Recessive and X-Linked Classification Criteria (2023). Collection method: clinical testing. Allele origin: unknown.
Comment: This variant is considered likely benign. This variant is intronic and is not expected to impact mRNA splicing.

Labcorp Genetics (formerly Invitae), Labcorp
Classification: Likely benign for EGFR-related lung cancer. Last evaluated: 2020-12-13. Review status: criteria provided, single submitter. Criteria: Invitae Variant Classification Sherloc (09022015). Collection method: clinical testing. Allele origin: germline.